The following is an entry in ClinVar:

NM_000303.3(PMM2):c.710C>T (p.Thr237Met)

Gene: PMM2 (phosphomannomutase 2; plus strand). Cytogenetic location: 16p13.2.
Variant type: single nucleotide variant.
Coding change: c.710C>T on transcript NM_000303.3 (MANE Select); coding-DNA position 710, C replaced by T.
Protein change: p.Thr237Met; replaces threonine 237 with methionine.
Molecular consequence: missense variant.
Genome position (GRCh38, 1-based): chr16:8,847,794, C>T. VCF-style: chr16-8847794-C-T. GRCh37 (hg19) VCF-style: chr16-8941651-C-T.
Other names: short protein forms T237M.
Identifiers: ClinVar variation 21145 (VCV000021145.89), dbSNP rs80338708, ClinGen allele CA341667.

ClinVar aggregate classification (germline): Pathogenic. Review status: criteria provided, multiple submitters, no conflicts (2 of 4 stars). 20 submissions from 20 submitters: Pathogenic (18). 2 of the submissions do not count toward it. Last evaluated 2025-09-19.

Conditions:
PMM2-related disorder. Also called: PMM2-related condition.
Inborn genetic diseases. Identifiers: MedGen C0950123, MeSH D030342.
PMM2-congenital disorder of glycosylation. Also called: CARBOHYDRATE-DEFICIENT GLYCOPROTEIN SYNDROME, TYPE Ia; PHOSPHOMANNOMUTASE 2 DEFICIENCY; PMM2-CDG; CDG Ia; Congenital disorder of glycosylation, type Ia; JAEKEN SYNDROME. Identifiers: Orphanet 79318, MedGen C0349653, MONDO:0008907, OMIM 212065.
Intellectual disability. Also called: Intellectual functioning disability; intellectual disabilities; Intellectual developmental disorder. Identifiers: MedGen C3714756, MeSH D008607, MONDO:0001071, HP:0001249.

Allele frequency attached by ClinVar (database versions not stated): TOPMed 0.00004.
gnomAD v4.1: 32 of 1,613,470 alleles (0.002%); highest among the groups gnomAD compares: African/African-American, 0.012%; no homozygotes.

Submissions (20):

Labcorp Genetics (formerly Invitae), Labcorp
Classification: Pathogenic for PMM2-congenital disorder of glycosylation. Last evaluated: 2025-09-19. Review status: criteria provided, single submitter. Criteria: Invitae Variant Classification Sherloc (09022015). Collection method: clinical testing. Allele origin: germline.
Comment: This sequence change replaces threonine, which is neutral and polar, with methionine, which is neutral and non-polar, at codon 237 of the PMM2 protein (p.Thr237Met). This variant is present in population databases (rs80338708, gnomAD 0.01%). This missense change has been observed in individual(s) with congenital disorder of glycosylation type 1 (PMID: 11589167, 11891694, 21541725, 23430838, 23988505). In at least one individual the data is consistent with being in trans (on the opposite chromosome) from a pathogenic variant. ClinVar contains an entry for this variant (Variation ID: 21145). Invitae Evidence Modeling of protein sequence and biophysical properties (such as structural, functional, and spatial information, amino acid conservation, physicochemical variation, residue mobility, and thermodynamic stability) indicates that this missense variant is expected to disrupt PMM2 protein function with a positive predictive value of 95%. Experimental studies have shown that this missense change affects PMM2 function (PMID: 21541725, 26014514). For these reasons, this variant has been classified as Pathogenic.

PreventionGenetics, part of Exact Sciences
Classification: Pathogenic for PMM2-related condition. Last evaluated: 2025-07-08. Review status: criteria provided, single submitter. Criteria: ACMG Guidelines, 2015. Collection method: clinical testing. Allele origin: germline.
Comment: The PMM2 c.710C>T variant is predicted to result in the amino acid substitution p.Thr237Met. This variant has been documented as causative for autosomal recessive congenital disorder of glycosylation type Ia when present with a second causative variant (Matthijs et al. 1997. PubMed ID: 9140401; Tayebi et al. 2002. PubMed ID: 11891694; Bortot et al. 2013. PubMed ID: 23988505). Functional studies have shown that the p.Thr237Met substitution causes a partial decrease in protein abundance and residual enzymatic activity, and the authors suggest a mild classification for this variant (Vega et al. 2011. PubMed ID: 21541725; Yuste-Checa et al. 2015. PubMed ID: 26014514). This variant is reported in 0.013% of alleles in individuals of South Asian descent in gnomAD. Given the evidence, we interpret c.710C>T (p.Thr237Met) as pathogenic.

Dasa
Classification: Pathogenic. Last evaluated: 2025-06-10. Review status: criteria provided, single submitter. Criteria: DASA Assertion Criteria. Collection method: clinical testing. Allele origin: germline.
Comment: NM_000303.3(PMM2):c.710C>T (p.Thr237Met) is a missense variant that results in the substitution of threonine with methionine. The affected residue or protein region has prior evidence supporting clinical relevance. This variant has been observed in affected individuals with related phenotype in a genotype context consistent with recessive disease (PMID: 11589167; PMID: 11891694; PMID: 21541725; PMID: 23430838; PMID: 23988505). This variant has been recurrently observed in individuals with related phenotype (PMID: 11589167; PMID: 11891694; PMID: 21541725; PMID: 23430838; PMID: 23988505). Multiple computational predictions support a deleterious effect on the gene or gene product. The variant is present at low frequency in population datasets. Based on the available data, this variant is classified as pathogenic.

Natera, Inc.
Classification: Pathogenic for Congenital disorder of glycosylation type 1a. Last evaluated: 2025-06-09. Review status: criteria provided, single submitter. Criteria: Natera Variant Classification Schema (03/2026). Collection method: clinical testing. Allele origin: germline.
Comment: The c.710C>T variant in PMM2 is a missense variant predicted to cause substitution of threonine to methionine at amino acid 237. This variant is rare in the general population with a frequency below the threshold expected for the associated phenotype(s). This variant has been observed in one or more individuals affected with the associated recessive disease, as either homozygous or compound heterozygous with a second variant (PMID: 21541725). Given the available evidence, this variant is classified as Pathogenic.

CeGaT Center for Human Genetics Tuebingen
Classification: Pathogenic. Last evaluated: 2024-02-01. Review status: criteria provided, single submitter. Criteria: CeGaT Center For Human Genetics Tuebingen Variant Classification Criteria Version 2. Collection method: clinical testing. Allele origin: germline. Affected: yes. Observed: 5 variant alleles.
Comment: PMM2: PM3:Very Strong, PM2, PM5, PP4:Moderate, PS3:Supporting

Revvity Omics, Revvity
Classification: Pathogenic for PMM2-congenital disorder of glycosylation. Last evaluated: 2023-10-26. Review status: criteria provided, single submitter. Criteria: ACMG Guidelines, 2015. Collection method: clinical testing. Allele origin: germline.

Department of Pathology and Laboratory Medicine, Sinai Health System
Classification: Pathogenic for PMM2-congenital disorder of glycosylation. Last evaluated: 2023-10-16. Review status: criteria provided, single submitter. Criteria: ACMG Guidelines, 2015. Collection method: research. Allele origin: germline.

Institute for Medical Genetics and Human Genetics, Charité - Universitätsmedizin Berlin
Classification: Pathogenic for PMM2-congenital disorder of glycosylation. Last evaluated: 2022-09-22. Review status: criteria provided, single submitter. Criteria: ACMG Guidelines, 2015. Collection method: clinical testing. Allele origin: germline. Inheritance: Autosomal recessive inheritance. Affected: yes. Observed: 1 compound heterozygote.

GeneDx
Classification: Pathogenic. Last evaluated: 2022-08-01. Review status: criteria provided, single submitter. Criteria: GeneDx Variant Classification Process June 2021. Collection method: clinical testing. Allele origin: germline. Affected: yes.
Comment: Published functional studies demonstrate a reduced residual activity in T237M when compared with wild type, and T237M was identified as destabilizing variant (Vega et al., 2011; Yuste-Checa et al., 2015); Not observed at significant frequency in large population cohorts (gnomAD); In silico analysis supports that this missense variant has a deleterious effect on protein structure/function; This variant is associated with the following publications: (PMID: 10801058, 28685491, 11589167, 21541725, 9140401, 23988505, 11891694, 26014514, 15844218, 11156536, 11058895, 27774737, 19235233, 28425223, 12705494, 31736265, 33413482)

Blueprint Genetics
Classification: Pathogenic for PMM2-related disorders. Last evaluated: 2022-02-08. Review status: criteria provided, single submitter. Criteria: ACMG Guidelines, 2015. Collection method: clinical testing. Allele origin: germline. Affected: yes. Observed: 2 variant alleles.

Mayo Clinic Laboratories, Mayo Clinic
Classification: Pathogenic. Last evaluated: 2020-05-21. Review status: criteria provided, single submitter. Criteria: ACMG Guidelines, 2015. Collection method: clinical testing. Allele origin: germline. Observed: 1 variant allele.
Comment: PS3, PS4, PM2, PM3, PM5, PP3, PP4, PP5

Diagnostic Laboratory, Strasbourg University Hospital
Classification: Pathogenic for Intellectual disability. Last evaluated: 2020-04-20. Review status: criteria provided, single submitter. Criteria: ACMG Guidelines, 2015. Collection method: clinical testing. Allele origin: unknown. Inheritance: Autosomal recessive inheritance. Affected: yes. Observed: 1 homozygote.

Women's Health and Genetics/Laboratory Corporation of America, LabCorp
Classification: Pathogenic for Congenital disorder of glycosylation, type Ia. Last evaluated: 2020-01-27. Review status: criteria provided, single submitter. Criteria: LabCorp Variant Classification Summary - May 2015. Collection method: clinical testing. Allele origin: germline.
Comment: Variant summary: PMM2 c.710C>T (p.Thr237Met) results in a non-conservative amino acid change in the encoded protein sequence. Five of five in-silico tools predict a damaging effect of the variant on protein function. The variant allele was found at a frequency of 4.4e-05 in 251084 control chromosomes. This frequency is not significantly higher than expected for a pathogenic variant in PMM2 causing Congenital Disorder of Glycosylation Type 1a (4.4e-05 vs 0.0056), allowing no conclusion about variant significance. c.710C>T has been reported in the literature in multiple individuals affected with Congenital Disorder of Glycosylation Type 1a (example, Matthijs_1997, Briones_2001, Tayebi_2002, Bortot_2013, Vega_2011). These data indicate that the variant is very likely to be associated with disease. At least two publications report experimental evidence evaluating an impact on protein function. The most pronounced variant effect results in 10%-<30% of normal activity due to a destabilizing outcome on folding (example Vega_2011 and Yuste-Checa_2015). Six clinical diagnostic laboratories have submitted clinical-significance assessments for this variant to ClinVar after 2014 without evidence for independent evaluation. All laboratories classified the variant as pathogenic (n=5)/likely pathogenic (n=1). Based on the evidence outlined above, the variant was classified as pathogenic.

Center for Pediatric Genomic Medicine, Children's Mercy Hospital and Clinics
Classification: Pathogenic. Last evaluated: 2017-08-24. Review status: criteria provided, single submitter. Criteria: ACMG Guidelines, 2015. Collection method: clinical testing. Allele origin: germline.

Ambry Genetics
Classification: Pathogenic for Inborn genetic diseases. Last evaluated: 2017-07-27. Review status: criteria provided, single submitter. Criteria: Ambry exome assertion method (8-5-2015). Collection method: clinical testing. Allele origin: germline. Affected: yes. Observed: 1 variant allele.

Fulgent Genetics
Classification: Pathogenic for PMM2-congenital disorder of glycosylation. Last evaluated: 2017-05-18. Review status: criteria provided, single submitter. Criteria: ACMG Guidelines, 2015. Collection method: clinical testing. Allele origin: unknown.

Eurofins Ntd Llc (ga)
Classification: Pathogenic. Last evaluated: 2017-05-13. Review status: criteria provided, single submitter. Criteria: EGL Classification Definitions 2015. Collection method: clinical testing. Allele origin: germline. Observed: 6 variant alleles, 5 heterozygotes, 1 homozygote.

Kasturba Medical College, Manipal, Kasturba Medical College, Manipal, Manipal Academy of Higher Education, Manipal, India
Classification: Pathogenic for PMM2-congenital disorder of glycosylation. Review status: criteria provided, single submitter. Criteria: ACMG Guidelines, 2015. Collection method: clinical testing. Allele origin: biparental. Inheritance: Autosomal recessive inheritance. Affected: yes. Observed: 1 homozygote.
Comment: The variant c.710C>T has been reported in a homozygous state in similarly affected individuals with congenital disorder of glycosylation, type Ia earlier (Matthijs et al., 1997). This variant was also reported in the ClinVar database as a likely pathogenic/pathogenic variant in 17 independent submissions (ClinVar ID: 21145). In silico prediction tools (MutationTaster, CADD phred, and REVEL) are consistent in predicting the variant to be damaging to PMM2 protein function.

Counsyl
Classification: Likely pathogenic for Carbohydrate-deficient glycoprotein syndrome type I. Last evaluated: 2015-02-06. Review status: no assertion criteria provided. Collection method: literature only. Allele origin: unknown. Inheritance: Autosomal recessive inheritance. Not counted in ClinVar's aggregate classification.

GeneReviews
No classification provided. Condition: PMM2-congenital disorder of glycosylation. Review status: no classification provided. Collection method: literature only. Allele origin: unknown. Not counted in ClinVar's aggregate classification.

Literature cited by the submitters: PubMed 11589167 (cited by 5 submitters); PubMed 11891694 (cited by 4 submitters); PubMed 21541725 (cited by 8 submitters); PubMed 23430838 (cited by Labcorp Genetics (formerly Invitae), Labcorp and Dasa); PubMed 23988505 (cited by 3 submitters); PubMed 26014514 (cited by 4 submitters); PubMed 9140401 (cited by 5 submitters); PubMed 25355454 (cited by Counsyl); PubMed 11156536 (cited by Counsyl); PubMed 15844218 (cited by Counsyl); PubMed 10801058 (cited by Counsyl); PubMed 15714316 (cited by GeneReviews); PubMed 20301289 (cited by GeneReviews); NCBI Bookshelf NBK1110 (cited by GeneReviews).